The following is an entry in ClinVar:

NM_001378457.1(DMXL2):c.2864T>C (p.Met955Thr)

Gene: DMXL2 (Dmx like 2; minus strand). Cytogenetic location: 15q21.2.
Variant type: single nucleotide variant.
Coding change: c.2864T>C on transcript NM_001378457.1 (MANE Select); coding-DNA position 2864, T replaced by C.
Protein change: p.Met955Thr; replaces methionine 955 with threonine.
Molecular consequence: missense variant. On other transcripts: non-coding transcript variant (2), intron variant (2).
Genome position (GRCh38, 1-based): chr15:51,502,934, A>G on the plus strand (T>C on the coding strand, the complement: DMXL2 is on the minus strand). VCF-style: chr15-51502934-A-G. GRCh37 (hg19) VCF-style: chr15-51795131-A-G.
Other names: c.2864T>C, p.Met955Thr (NM_015263.5, NM_001174116.3, NM_001378458.1 and 4 more transcripts); c.2764+4200T>C (NM_001378460.1, NM_001174117.3); c.2624T>C, p.Met875Thr (NM_001378464.1); short protein forms M875T, M955T.
Identifiers: ClinVar variation 1417976 (VCV001417976.6), dbSNP rs766782558, ClinGen allele CA7562234.
Genomic context (GRCh38, chr15:51,502,934, plus strand): 5'-CTAGAACTCAGAATAAGTTTACTGGCAGTTTGAAGATTGGCAATTGATGAAGAATGTGGC[A>G]TGGGGCTCACACTAGGAGAGGTTTCTGGAGAAGAATCTACGTTCTTCTGTCCAGGGACTG-3'
Protein context (NP_001365386.1, residues 945-965): SPETSPSVSP[Met955Thr]PHSSSIANLQ

ClinVar aggregate classification (germline): Uncertain significance (1 of 4 stars; one submission).

Allele frequency attached by ClinVar (database versions not stated): TOPMed below 0.00001; gnomAD exomes 0.00001; ExAC 0.00002; gnomAD 0.00002.
gnomAD v4.1: 24 of 1,614,016 alleles (0.0015%); highest among the groups gnomAD compares: Non-Finnish European, 0.0019%; no homozygotes.

Submission:

Labcorp Genetics (formerly Invitae), Labcorp
Classification: Uncertain significance. Last evaluated: 2022-07-26. Review status: criteria provided, single submitter. Criteria: Invitae Variant Classification Sherloc (09022015). Collection method: clinical testing. Allele origin: germline.
Comment: In summary, the available evidence is currently insufficient to determine the role of this variant in disease. Therefore, it has been classified as a Variant of Uncertain Significance. Algorithms developed to predict the effect of missense changes on protein structure and function are either unavailable or do not agree on the potential impact of this missense change (SIFT: "Deleterious"; PolyPhen-2: "Benign"; Align-GVGD: "Class C0"). ClinVar contains an entry for this variant (Variation ID: 1417976). This variant has not been reported in the literature in individuals affected with DMXL2-related conditions. This variant is present in population databases (rs766782558, gnomAD 0.004%). This sequence change replaces methionine, which is neutral and non-polar, with threonine, which is neutral and polar, at codon 955 of the DMXL2 protein (p.Met955Thr).